The following is an entry in ClinVar:

ClinVar aggregate classification (germline): Uncertain significance (1 of 4 stars; one submission).

Submission:

Ambry Genetics
Classification: Uncertain significance. Last evaluated: 2022-08-12. Review status: criteria provided, single submitter. Criteria: Ambry Variant Classification Scheme 2023. Collection method: clinical testing. Allele origin: germline.
Comment: The p.I774T variant (also known as c.2321T>C), located in coding exon 19 of the BUB1 gene, results from a T to C substitution at nucleotide position 2321. The isoleucine at codon 774 is replaced by threonine, an amino acid with similar properties. This amino acid position is conserved. In addition, this alteration is predicted to be tolerated by in silico analysis. Since supporting evidence is limited at this time, the clinical significance of this alteration remains unclear.

NM_004336.5(BUB1):c.2321T>C (p.Ile774Thr)

Gene: BUB1 (BUB1 mitotic checkpoint serine/threonine kinase; minus strand). Cytogenetic location: 2q13.
Variant type: single nucleotide variant.
Coding change: c.2321T>C on transcript NM_004336.5 (MANE Select); coding-DNA position 2321, T replaced by C.
Protein change: p.Ile774Thr; replaces isoleucine 774 with threonine.
Molecular consequence: missense variant.
Genome position (GRCh38, 1-based): chr2:110,649,260, A>G on the plus strand (T>C on the coding strand, the complement: BUB1 is on the minus strand). VCF-style: chr2-110649260-A-G. GRCh37 (hg19) VCF-style: chr2-111406837-A-G.
Other names: c.2261T>C, p.Ile754Thr (NM_001278616.2); c.2321T>C, p.Ile774Thr (NM_001278617.2); short protein forms I754T, I774T.
Identifiers: ClinVar variation 1789586 (VCV001789586.2), dbSNP rs2467987150, ClinGen allele CA348209406.